The following is an entry in ClinVar:

NM_003070.5(SMARCA2):c.2219A>G (p.Asn740Ser)

Gene: SMARCA2 (SWI/SNF related BAF chromatin remodeling complex subunit ATPase 2; plus strand). Cytogenetic location: 9p24.3.
Variant type: single nucleotide variant.
Coding change: c.2219A>G on transcript NM_003070.5 (MANE Select); coding-DNA position 2219, A replaced by G.
Protein change: p.Asn740Ser; replaces asparagine 740 with serine.
Molecular consequence: missense variant.
Genome position (GRCh38, 1-based): chr9:2,081,866, A>G. VCF-style: chr9-2081866-A-G. GRCh37 (hg19) VCF-style: chr9-2081866-A-G.
Other names: c.2219A>G, p.Asn740Ser (NM_001289396.2, NM_001289397.2, NM_139045.4); short protein forms N740S.
Identifiers: ClinVar variation 3600544 (VCV003600544.1).

ClinVar aggregate classification (germline): Uncertain significance (1 of 4 stars; one submission).

Submission:

GeneDx
Classification: Uncertain significance. Last evaluated: 2024-07-24. Review status: criteria provided, single submitter. Criteria: GeneDx Variant Classification Process June 2021. Collection method: clinical testing. Allele origin: germline. Affected: yes.
Comment: Not observed at significant frequency in large population cohorts (gnomAD); In silico analysis supports that this missense variant has a deleterious effect on protein structure/function; Has not been previously published as pathogenic or benign to our knowledge